The following is an entry in ClinVar:

ClinVar aggregate classification (germline): Likely pathogenic (1 of 4 stars; one submission).

Conditions:
Seckel syndrome 5 (SCKL5). Identifiers: Orphanet 808, MedGen C3151187, MONDO:0013443, OMIM 613823.
Microcephaly 9, primary, autosomal recessive. Identifiers: Orphanet 2512, MedGen C3553886, MONDO:0013923, OMIM 614852.

Submission:

First Genomix Gene Laboratory, Genetic Diagnostics Department
Classification: Likely pathogenic for Microcephaly 9, primary, autosomal recessive; Seckel syndrome 5. Last evaluated: 2025-09-17. Review status: criteria provided, single submitter. Criteria: ACMG Guidelines, 2015. Collection method: clinical testing. Allele origin: germline. Inheritance: Autosomal recessive inheritance. Affected: no. Observed: 1 variant allele.

NM_001194998.2(CEP152):c.139_140del (p.Ser47fs)

Gene: CEP152 (centrosomal protein 152; minus strand). Cytogenetic location: 15q21.1.
Variant type: Microsatellite.
Coding change: c.139_140del on transcript NM_001194998.2 (MANE Select); coding-DNA positions 139 to 140, 2 bases deleted (TC; older notation c.139_140delTC).
Protein change: p.Ser47fs; shifts the reading frame from serine 47.
Molecular consequence: frameshift variant.
Genome position (GRCh38, 1-based): chr15:48,797,999-48,798,000, GA deleted on the plus strand (TC on the coding strand, the reverse complement: CEP152 is on the minus strand); deleting any 2 consecutive bases within chr15:48,797,999-48,798,003 gives the same sequence; the c. name uses the placement nearest the transcript's 3' end. VCF-style (leftmost placement, unchanged base first): chr15-48797998-GGA-G. GRCh37 (hg19) VCF-style: chr15-49090195-GGA-G.
Other names: c.139_140del, p.Ser47fs (NM_014985.4); short protein forms S47fs.
Identifiers: ClinVar variation 4850349 (VCV004850349.1).